The following is an entry in ClinVar:

NM_000088.4(COL1A1):c.3389del (p.Gly1130fs)

Gene: COL1A1 (collagen type I alpha 1 chain; minus strand). Cytogenetic location: 17q21.33.
Variant type: Deletion.
Coding change: c.3389del on transcript NM_000088.4 (MANE Select); coding-DNA position 3389, one base deleted (G; older notation c.3389delG).
Protein change: p.Gly1130fs; shifts the reading frame from glycine 1130.
Molecular consequence: frameshift variant.
Genome position (GRCh38, 1-based): chr17:50,187,518, C deleted on the plus strand (G on the coding strand, the reverse complement: COL1A1 is on the minus strand); the first of 2 consecutive C bases (chr17:50,187,518-50,187,519); deleting either gives the same sequence. VCF-style (leftmost placement, unchanged base first): chr17-50187517-AC-A. GRCh37 (hg19) VCF-style: chr17-48264878-AC-A.
Other names: short protein forms G1130fs.
Identifiers: ClinVar variation 2036915 (VCV002036915.4), dbSNP rs2509169901, ClinGen allele CA2580094201.

ClinVar aggregate classification (germline): Pathogenic (1 of 4 stars; one submission).

Conditions:
Osteogenesis imperfecta type I (OI1). Also called: OI, TYPE I; OSTEOGENESIS IMPERFECTA TARDA; OSTEOGENESIS IMPERFECTA WITH BLUE SCLERAE; Osteogenesis imperfecta type 1; Classic Non-deforming Osteogenesis Imperfecta with Blue Sclerae; Lobstein disease. Identifiers: Orphanet 216796, Orphanet 666, MedGen C0023931, MONDO:0008146, OMIM 166200. Disease mechanism: loss of function.

Submission:

Labcorp Genetics (formerly Invitae), Labcorp
Classification: Pathogenic for Osteogenesis imperfecta type I. Last evaluated: 2024-05-07. Review status: criteria provided, single submitter. Criteria: Invitae Variant Classification Sherloc (09022015). Collection method: clinical testing. Allele origin: germline.
Comment: This sequence change creates a premature translational stop signal (p.Gly1130Valfs*109) in the COL1A1 gene. It is expected to result in an absent or disrupted protein product. Loss-of-function variants in COL1A1 are known to be pathogenic (PMID: 7942841, 9295084, 9443882). This variant is not present in population databases (gnomAD no frequency). This variant has not been reported in the literature in individuals affected with COL1A1-related conditions. ClinVar contains an entry for this variant (Variation ID: 2036915). For these reasons, this variant has been classified as Pathogenic.

Literature cited by the submitters: PubMed 7942841; PubMed 9295084; PubMed 9443882.